The following is an entry in ClinVar:

ClinVar aggregate classification (germline): Conflicting classifications of pathogenicity. Review status: criteria provided, conflicting classifications (1 of 4 stars). 3 submissions from 3 submitters: Uncertain significance (2); Likely benign (1). Last evaluated 2023-07-17.

Conditions:
Primary ciliary dyskinesia. Also called: Ciliary dyskinesia. Identifiers: Orphanet 244, MedGen C0008780, MONDO:0016575, HP:0012265.

Allele frequency attached by ClinVar (database versions not stated): gnomAD 0.00033 and 0.00030; TOPMed 0.00037; ESP Exome Variant Server 0.00016.
gnomAD v4.1: 88 of 1,534,708 alleles (0.0057%); highest among the groups gnomAD compares: African/African-American, 0.11%; no homozygotes.

Submissions (3):

Labcorp Genetics (formerly Invitae), Labcorp
Classification: Uncertain significance for Primary ciliary dyskinesia. Last evaluated: 2023-07-17. Review status: criteria provided, single submitter. Criteria: Invitae Variant Classification Sherloc (09022015). Collection method: clinical testing. Allele origin: germline.
Comment: In summary, the available evidence is currently insufficient to determine the role of this variant in disease. Therefore, it has been classified as a Variant of Uncertain Significance. Advanced modeling of protein sequence and biophysical properties (such as structural, functional, and spatial information, amino acid conservation, physicochemical variation, residue mobility, and thermodynamic stability) performed at Invitae indicates that this missense variant is not expected to disrupt DNAAF3 protein function. ClinVar contains an entry for this variant (Variation ID: 648975). This variant has not been reported in the literature in individuals affected with DNAAF3-related conditions. This variant is present in population databases (rs371668705, gnomAD 0.08%). This sequence change replaces aspartic acid, which is acidic and polar, with glutamic acid, which is acidic and polar, at codon 303 of the DNAAF3 protein (p.Asp303Glu).

Ambry Genetics
Classification: Likely benign for Primary ciliary dyskinesia. Last evaluated: 2022-01-26. Review status: criteria provided, single submitter. Criteria: Ambry Variant Classification Scheme 2023. Collection method: clinical testing. Allele origin: germline.

UNC Molecular Genetics  Laboratory, University of North Carolina at Chapel Hill
Classification: Uncertain significance for Primary ciliary dyskinesia. Last evaluated: 2018-11-29. Review status: criteria provided, single submitter. Criteria: ACMG Guidelines, 2015. Collection method: clinical testing. Allele origin: germline. Observed: 1 heterozygote.

NM_001256715.2(DNAAF3):c.705C>G (p.Asp235Glu)

Genes: DNAAF3 (dynein axonemal assembly factor 3; minus strand), DNAAF3-AS1 (DNAAF3 antisense RNA 1; plus strand). Cytogenetic location: 19q13.42.
Variant type: single nucleotide variant.
Coding change: c.705C>G on transcript NM_001256715.2 (MANE Select); coding-DNA position 705, C replaced by G.
Protein change: p.Asp235Glu; replaces aspartic acid 235 with glutamic acid.
Molecular consequence: missense variant.
Genome position (GRCh38, 1-based): chr19:55,161,377, G>C on the plus strand (C>G on the coding strand, the complement: DNAAF3 is on the minus strand). VCF-style: chr19-55161377-G-C. GRCh37 (hg19) VCF-style: chr19-55672745-G-C.
Other names: c.909C>G, p.Asp303Glu (NM_001256714.1); c.543C>G, p.Asp181Glu (NM_001256716.2); c.846C>G, p.Asp282Glu (NM_178837.4); short protein forms D235E, D303E, D181E, D282E.
Identifiers: ClinVar variation 648975 (VCV000648975.11), dbSNP rs371668705, ClinGen allele CA9668087.
Genomic context (GRCh38, chr19:55,161,377, plus strand): 5'-CAGGGTCCGGTTGGGCACATGATAGGCGCTGGAGTCCCTGAGTTCAAAGGCGACGCCTGT[G>C]TCCCGCCAGCGTCGGAACTCCTGGGGGTGAATGACTTGAGCCTGGGGTGGGGGGCGGGAA-3'
Protein context (NP_001243644.1, residues 225-245): IHPQEFRRWR[Asp235Glu]TGVAFELRDS